The following is an entry in ClinVar:

NM_000069.3(CACNA1S):c.2389A>G (p.Asn797Asp)

Gene: CACNA1S (calcium voltage-gated channel subunit alpha1 S; minus strand). Cytogenetic location: 1q32.1.
Variant type: single nucleotide variant.
Coding change: c.2389A>G on transcript NM_000069.3 (MANE Select); coding-DNA position 2389, A replaced by G.
Protein change: p.Asn797Asp; replaces asparagine 797 with aspartic acid.
Molecular consequence: missense variant.
Genome position (GRCh38, 1-based): chr1:201,069,573, T>C on the plus strand (A>G on the coding strand, the complement: CACNA1S is on the minus strand). VCF-style: chr1-201069573-T-C. GRCh37 (hg19) VCF-style: chr1-201038701-T-C.
Other names: short protein forms N797D.
Identifiers: ClinVar variation 3072754 (VCV003072754.1), dbSNP rs2464536705, ClinGen allele CA344107747.

ClinVar aggregate classification (germline): Uncertain significance (1 of 4 stars; one submission).

Conditions:
Malignant hyperthermia, susceptibility to, 5 (MHS5). Also called: CACNA1S-Related Malignant Hyperthermia Susceptibility. Identifiers: Orphanet 423, MedGen C1866077, MONDO:0011163, OMIM 601887.

Allele frequency attached by ClinVar (database versions not stated): gnomAD exomes below 0.00001.
gnomAD v4.1: 4 of 1,563,002 alleles (0.00026%); highest among the groups gnomAD compares: Non-Finnish European, 0.00026%; no homozygotes.

Submission:

All of Us Research Program, National Institutes of Health
Classification: Uncertain significance for Malignant hyperthermia, susceptibility to, 5. Last evaluated: 2023-08-15. Review status: criteria provided, single submitter. Criteria: ACMG Guidelines, 2015. Collection method: clinical testing. Allele origin: germline. Inheritance: Autosomal dominant inheritance. Observed: 1 variant allele, 1 heterozygote.
Comment: This study involves interpretation of variants in research participants for the purpose of population health screening. Participant phenotype was not available at the time of variant classification. Additional details can be found in publication PMID: 35346344, PMCID: PMC8962531